The following is an entry in ClinVar:

ClinVar aggregate classification (germline): Uncertain significance (1 of 4 stars; one submission).

Conditions:
Lymphatic malformation 6 (LMPHM6). Also called: GENERALIZED LYMPHATIC DYSPLASIA OF FOTIOU; Lymphedema, hereditary, III; PIEZO1-related generalized lymphatic dysplasia with non-immune hydrops fetalis. Identifiers: Orphanet 568062, MedGen C4225184, MONDO:0014797, OMIM 616843.

gnomAD v4.1: 3 of 1,542,594 alleles (0.00019%); highest among the groups gnomAD compares: Non-Finnish European, 0.00017%; no homozygotes.

Submission:

Clinical Genomics Laboratory, Washington University in St. Louis
Classification: Uncertain significance for Lymphatic malformation 6. Last evaluated: 2026-03-13. Review status: criteria provided, single submitter. Criteria: ACMG Guidelines, 2015. Collection method: clinical testing. Allele origin: germline.
Comment: A PIEZO1 c.5582T>G (p.Leu1861Arg) variant was identified at a near heterozygous allelic fraction of 47.4%, a frequency which may be consistent with it being of germline origin. The PIEZO1 c.5582T>G (p.Leu1861Arg) variant, to our knowledge, has not been reported in the medical literature. This variant is only observed on 3/1,542,594 alleles in the general population (gnomAD v4.1.0), indicating it is not a common variant. Computational predictors suggest that the variant does not impact PIEZO1 function. Due to limited information, and based on ACMG/AMP guidelines for variant interpretation (Richards S et al., PMID: 25741868), the clinical significance of this variant is uncertain at this time.

NM_001142864.4(PIEZO1):c.5582T>G (p.Leu1861Arg)

Gene: PIEZO1 (piezo type mechanosensitive ion channel component 1 (Er blood group); minus strand). Cytogenetic location: 16q24.3.
Variant type: single nucleotide variant.
Coding change: c.5582T>G on transcript NM_001142864.4 (MANE Select); coding-DNA position 5582, T replaced by G.
Protein change: p.Leu1861Arg; replaces leucine 1861 with arginine.
Molecular consequence: missense variant.
Genome position (GRCh38, 1-based): chr16:88,721,252, A>C on the plus strand (T>G on the coding strand, the complement: PIEZO1 is on the minus strand). VCF-style: chr16-88721252-A-C. GRCh37 (hg19) VCF-style: chr16-88787660-A-C.
Other names: short protein forms L1861R.
Identifiers: ClinVar variation 4974635 (VCV004974635.1).